The following is an entry in ClinVar:

ClinVar aggregate classification (germline): Pathogenic (1 of 4 stars; one submission).

Conditions:
Nemaline myopathy 2 (NEM2). Also called: Nemaline myopathy 2, autosomal recessive. Identifiers: MedGen C1850569, MONDO:0009725, OMIM 256030.

Submission:

Labcorp Genetics (formerly Invitae), Labcorp
Classification: Pathogenic for Nemaline myopathy 2. Last evaluated: 2023-12-30. Review status: criteria provided, single submitter. Criteria: Invitae Variant Classification Sherloc (09022015). Collection method: clinical testing. Allele origin: germline.
Comment: This sequence change creates a premature translational stop signal (p.Gln7856*) in the NEB gene. It is expected to result in an absent or disrupted protein product. Loss-of-function variants in NEB are known to be pathogenic (PMID: 25205138). This variant is not present in population databases (gnomAD no frequency). This variant has not been reported in the literature in individuals affected with NEB-related conditions. For these reasons, this variant has been classified as Pathogenic.

Literature cited by the submitters: PubMed 25205138.

NM_001164508.2(NEB):c.23461C>T (p.Gln7821Ter)

Genes: NEB (nebulin; minus strand), RIF1 (replication timing regulatory factor 1; plus strand). Cytogenetic location: 2q23.3.
Variant type: single nucleotide variant.
Coding change: c.23461C>T on transcript NM_001164508.2 (MANE Select); coding-DNA position 23461, C replaced by T.
Protein change: p.Gln7821Ter; replaces glutamine 7821 with a stop codon.
Molecular consequence: nonsense.
Genome position (GRCh38, 1-based): chr2:151,507,004, G>A on the plus strand (C>T on the coding strand, the complement: NEB is on the minus strand). VCF-style: chr2-151507004-G-A. GRCh37 (hg19) VCF-style: chr2-152363518-G-A.
Other names: c.23461C>T, p.Gln7821Ter (NM_001164507.2); c.23566C>T, p.Gln7856Ter (NM_001271208.2); c.18358C>T, p.Gln6120Ter (NM_004543.5); short protein forms Q7856*, Q7821*, Q6120*.
Identifiers: ClinVar variation 2807137 (VCV002807137.3), dbSNP rs2552010255, ClinGen allele CA348784844.